The following is an entry in ClinVar:

ClinVar aggregate classification (germline): Uncertain significance (1 of 4 stars; one submission).

Conditions:
Multiple endocrine neoplasia, type 1 (MEN1). Also called: MEN I; WERMER SYNDROME; Endocrine adenomatosis multiple; MEN 1; MEA I. Identifiers: Orphanet 652, MedGen C0025267, MeSH D018761, MONDO:0007540, OMIM 131100.

Submission:

Labcorp Genetics (formerly Invitae), Labcorp
Classification: Uncertain significance for Multiple endocrine neoplasia, type 1. Last evaluated: 2023-02-16. Review status: criteria provided, single submitter. Criteria: Invitae Variant Classification Sherloc (09022015). Collection method: clinical testing. Allele origin: germline.
Comment: This sequence change replaces proline, which is neutral and non-polar, with alanine, which is neutral and non-polar, at codon 71 of the MEN1 protein (p.Pro71Ala). This variant is not present in population databases (gnomAD no frequency). This variant has not been reported in the literature in individuals affected with MEN1-related conditions. Advanced modeling of protein sequence and biophysical properties (such as structural, functional, and spatial information, amino acid conservation, physicochemical variation, residue mobility, and thermodynamic stability) has been performed at Invitae for this missense variant, however the output from this modeling did not meet the statistical confidence thresholds required to predict the impact of this variant on MEN1 protein function. In summary, the available evidence is currently insufficient to determine the role of this variant in disease. Therefore, it has been classified as a Variant of Uncertain Significance.

NM_001370259.2(MEN1):c.211C>G (p.Pro71Ala)

Gene: MEN1 (menin 1; minus strand). Cytogenetic location: 11q13.1.
Variant type: single nucleotide variant.
Coding change: c.211C>G on transcript NM_001370259.2 (MANE Select); coding-DNA position 211, C replaced by G.
Protein change: p.Pro71Ala; replaces proline 71 with alanine.
Molecular consequence: missense variant. On other transcripts: non-coding transcript variant (4).
Genome position (GRCh38, 1-based): chr11:64,809,899, G>C on the plus strand (C>G on the coding strand, the complement: MEN1 is on the minus strand). VCF-style: chr11-64809899-G-C. GRCh37 (hg19) VCF-style: chr11-64577371-G-C.
Other names: c.211C>G, p.Pro71Ala (NM_000244.4, NM_001370251.2, NM_001370260.2 and 20 more transcripts); short protein forms P71A.
Identifiers: ClinVar variation 2837416 (VCV002837416.3), dbSNP rs1592659522, ClinGen allele CA381187639.
Genomic context (GRCh38, chr11:64,809,899, plus strand): 5'-CATAGAGGGCGGCGATGATAGACAGGTCGGCCACGGGAAAGTAGGTGAGGCCGCCAGGCG[G>C]GTCGGGGGCGGGGCTGGGCTGGAAGGTGAGCTCGGGAACGTTGGTAGGGATGACGCGGTT-3'
Protein context (NP_001357188.2, residues 61-81): LTFQPSPAPD[Pro71Ala]PGGLTYFPVA